The following is an entry in ClinVar:

ClinVar aggregate classification (germline): Benign/Likely benign. Review status: criteria provided, multiple submitters, no conflicts (2 of 4 stars). 4 submissions from 4 submitters: Benign (2); Likely benign (1). 1 of the submissions does not count toward it. Last evaluated 2024-12-01.

Conditions:
CBLB-related disorder. Also called: CBLB-related condition.

Allele frequency attached by ClinVar (database versions not stated): gnomAD exomes 0.00037 and 0.00092; ExAC 0.00109; ESP Exome Variant Server 0.00392; 1000 Genomes Project 0.00399; gnomAD 0.00429 and 0.00462; TOPMed 0.00446; 1000 Genomes Project 30x 0.00468.
gnomAD v4.1: 1,202 of 1,612,502 alleles (0.075%); highest among the groups gnomAD compares: African/African-American, 1.5%; 5 homozygotes.

Submissions (8):

CeGaT Center for Human Genetics Tuebingen
Classification: Likely benign. Last evaluated: 2024-12-01. Review status: criteria provided, single submitter. Criteria: CeGaT Center For Human Genetics Tuebingen Variant Classification Criteria Version 2. Collection method: clinical testing. Allele origin: germline. Affected: yes. Observed: 1 variant allele.
Comment: CBLB: BS1

Labcorp Genetics (formerly Invitae), Labcorp
Classification: Benign. Last evaluated: 2018-03-02. Review status: criteria provided, single submitter. Criteria: Invitae Variant Classification Sherloc (09022015). Collection method: clinical testing. Allele origin: germline.

Breakthrough Genomics
Classification: Benign. Review status: criteria provided, single submitter. Criteria: ACMG Guidelines, 2015. Collection method: not provided. Allele origin: germline. Inheritance: Unknown mechanism. Affected: yes.

PreventionGenetics, part of Exact Sciences
Classification: Benign for CBLB-related condition. Last evaluated: 2019-06-11. Review status: no assertion criteria provided. Collection method: clinical testing. Allele origin: germline. Not counted in ClinVar's aggregate classification.
Comment: This variant is classified as benign based on ACMG/AMP sequence variant interpretation guidelines (Richards et al. 2015 PMID: 25741868, with internal and published modifications).

Dr. Peter K. Rogan Lab, Western University
No classification provided (evidence only). Condition: Lung cancer. Review status: no classification provided. Collection method: in vitro. Allele origin: not applicable. Functional consequence: retained intron. Not counted in ClinVar's aggregate classification.

Dr. Peter K. Rogan Lab, Western University
No classification provided (evidence only). Condition: Thyroid cancer, nonmedullary, 1. Review status: no classification provided. Collection method: in vitro. Allele origin: not applicable. Functional consequence: retained intron. Not counted in ClinVar's aggregate classification.

Dr. Peter K. Rogan Lab, Western University
No classification provided (evidence only). Condition: Uterine corpus endometrial carcinoma. Review status: no classification provided. Collection method: in vitro. Allele origin: not applicable. Functional consequence: retained intron. Not counted in ClinVar's aggregate classification.

Dr. Peter K. Rogan Lab, Western University
No classification provided (evidence only). Condition: Malignant tumor of esophagus. Review status: no classification provided. Collection method: in vitro. Allele origin: not applicable. Functional consequence: retained intron. Not counted in ClinVar's aggregate classification.

NM_170662.5(CBLB):c.2009G>A (p.Arg670Gln)

Gene: CBLB (Cbl proto-oncogene B; minus strand). Cytogenetic location: 3q13.11.
Variant type: single nucleotide variant.
Coding change: c.2009G>A on transcript NM_170662.5 (MANE Select); coding-DNA position 2009, G replaced by A.
Protein change: p.Arg670Gln; replaces arginine 670 with glutamine.
Molecular consequence: missense variant. On other transcripts: non-coding transcript variant (7).
Genome position (GRCh38, 1-based): chr3:105,693,539, C>T on the plus strand (G>A on the coding strand, the complement: CBLB is on the minus strand). VCF-style: chr3-105693539-C-T. GRCh37 (hg19) VCF-style: chr3-105412383-C-T.
Other names: NC_000003.11:g.105412383C>T; c.2093G>A, p.Arg698Gln (NM_001321786.1, NM_001321789.1); c.2009G>A, p.Arg670Gln (NM_001321788.2, NM_001321791.2, NM_001321793.2 and 4 more transcripts); c.2075G>A, p.Arg692Gln (NM_001321790.2); c.1862G>A, p.Arg621Gln (NM_001321796.2, NM_001321799.2); c.1229G>A, p.Arg410Gln (NM_001321806.2, NM_001321807.2, NM_001321808.2 and 3 more transcripts); c.821G>A, p.Arg274Gln (NM_001321820.2); c.680G>A, p.Arg227Gln (NM_001321822.2); short protein forms R274Q, R410Q, R670Q, R692Q, R227Q, R621Q, R698Q.
Identifiers: ClinVar variation 786015 (VCV000786015.20), dbSNP rs114046756, ClinGen allele CA2524601.
Genomic context (GRCh38, chr3:105,693,539, plus strand): 5'-TTCAACAAAACTCACTTTATGCTAGGGAGGAGGGTGGTAACTGGAGGAGGAGGAGAAAGC[C>T]GGGGAGGAACATCATATTCTTCACTTCCAAGGTGACCATTGGAAAAGACCTGAAAGTAAA-3'
Protein context (NP_733762.2, residues 660-680): LGSEEYDVPP[Arg670Gln]LSPPPPVTTL